The following is an entry in ClinVar:

NM_015272.5(RPGRIP1L):c.882+8G>A

Gene: RPGRIP1L (RPGRIP1 like; minus strand). Cytogenetic location: 16q12.2.
Variant type: single nucleotide variant.
Coding change: c.882+8G>A on transcript NM_015272.5 (MANE Select); 8 bases into the intron after coding-DNA position 882, G replaced by A.
Molecular consequence: intron variant.
Genome position (GRCh38, 1-based): chr16:53,675,009, C>T on the plus strand (G>A on the coding strand, the complement: RPGRIP1L is on the minus strand). VCF-style: chr16-53675009-C-T. GRCh37 (hg19) VCF-style: chr16-53708921-C-T.
Other names: c.882+8G>A (NM_001127897.4, NM_001330538.2, NM_001308334.3 and 1 more transcripts).
Identifiers: ClinVar variation 705143 (VCV000705143.13), dbSNP rs773501615, ClinGen allele CA8057995.

ClinVar aggregate classification (germline): Likely benign. Review status: criteria provided, single submitter (1 of 4 stars). 2 submissions from 2 submitters: Likely benign (1). 1 of the submissions does not count toward it. Last evaluated 2025-12-11.

Conditions:
RPGRIP1L-related disorder. Also called: RPGRIP1L-related disorders; RPGRIP1L-related condition. Identifiers: MedGen CN239416.
Meckel-Gruber syndrome. Also called: GRUBER SYNDROME; Dysencephalia splachnocystica; DYSENCEPHALIA SPLANCHNOCYSTICA. Identifiers: Orphanet 564, MedGen C0265215, MONDO:0018921.
Joubert syndrome. Also called: JOUBERT-BOLTSHAUSER SYNDROME; Familial aplasia of the vermis. Identifiers: Orphanet 475, MedGen C5979921, MONDO:0018772.

Allele frequency attached by ClinVar (database versions not stated): gnomAD exomes 0.00001 and 0.00002; gnomAD 0.00002; TOPMed 0.00002; ExAC 0.00004.
gnomAD v4.1: 12 of 1,545,110 alleles (0.00078%); highest among the groups gnomAD compares: East Asian, 0.027%; no homozygotes.

Submissions (2):

Labcorp Genetics (formerly Invitae), Labcorp
Classification: Likely benign for Joubert syndrome; Meckel-Gruber syndrome. Last evaluated: 2025-12-11. Review status: criteria provided, single submitter. Criteria: Invitae Variant Classification Sherloc (09022015). Collection method: clinical testing. Allele origin: germline.

PreventionGenetics, part of Exact Sciences
Classification: Likely benign for RPGRIP1L-related condition. Last evaluated: 2023-11-03. Review status: no assertion criteria provided. Collection method: clinical testing. Allele origin: germline. Not counted in ClinVar's aggregate classification.
Comment: This variant is classified as likely benign based on ACMG/AMP sequence variant interpretation guidelines (Richards et al. 2015 PMID: 25741868, with internal and published modifications).